The following is an entry in ClinVar:

NM_181332.3(NLGN4X):c.2410A>G (p.Ser804Gly)

Gene: NLGN4X (neuroligin 4 X-linked; minus strand). Cytogenetic location: Xp22.32.
Variant type: single nucleotide variant.
Coding change: c.2410A>G on transcript NM_181332.3 (MANE Select); coding-DNA position 2410, A replaced by G.
Protein change: p.Ser804Gly; replaces serine 804 with glycine.
Molecular consequence: missense variant.
Genome position (GRCh38, 1-based): chrX:5,892,858, T>C on the plus strand (A>G on the coding strand, the complement: NLGN4X is on the minus strand). VCF-style: chrX-5892858-T-C. GRCh37 (hg19) VCF-style: chrX-5810899-T-C.
Other names: c.2410A>G, p.Ser804Gly (NM_001282145.2, NM_001282146.2, NM_020742.4); short protein forms S804G.
Identifiers: ClinVar variation 3392813 (VCV003392813.1).

ClinVar aggregate classification (germline): Uncertain significance (1 of 4 stars; one submission).

Submission:

GeneDx
Classification: Uncertain significance. Last evaluated: 2024-06-25. Review status: criteria provided, single submitter. Criteria: GeneDx Variant Classification Process June 2021. Collection method: clinical testing. Allele origin: germline. Affected: yes.
Comment: Not observed at significant frequency in large population cohorts (gnomAD); In silico analysis indicates that this missense variant does not alter protein structure/function; Has not been previously published as pathogenic or benign to our knowledge